The following is an entry in ClinVar:

NM_000384.3(APOB):c.3844G>A (p.Asp1282Asn)

Gene: APOB (apolipoprotein B; minus strand). Cytogenetic location: 2p24.1.
Variant type: single nucleotide variant.
Coding change: c.3844G>A on transcript NM_000384.3 (MANE Select); coding-DNA position 3844, G replaced by A.
Protein change: p.Asp1282Asn; replaces aspartic acid 1282 with asparagine.
Molecular consequence: missense variant.
Genome position (GRCh38, 1-based): chr2:21,013,532, C>T on the plus strand (G>A on the coding strand, the complement: APOB is on the minus strand). VCF-style: chr2-21013532-C-T. GRCh37 (hg19) VCF-style: chr2-21236404-C-T.
Other names: short protein forms D1282N.
Identifiers: ClinVar variation 1297038 (VCV001297038.2), dbSNP rs781366272, ClinGen allele CA059993.

ClinVar aggregate classification (germline): Uncertain significance. Review status: criteria provided, multiple submitters, no conflicts (2 of 4 stars). 2 submissions from 2 submitters: Uncertain significance (2). Last evaluated 2021-07-05.

Conditions:
Hypercholesterolemia, autosomal dominant, type B (FHCL2). Also called: Familial Hypercholesterolemia Type B; APOLIPOPROTEIN B-100, FAMILIAL DEFECTIVE; APOLIPOPROTEIN B-100, FAMILIAL LIGAND-DEFECTIVE; Hyperlipoproteinemia Type IIb; Familial hypercholesterolemia 2; APOB-Related Familial Hypercholesterolemia, Autosomal Dominant. Identifiers: MedGen C1704417, MONDO:0007751, OMIM 144010.

Allele frequency attached by ClinVar (database versions not stated): gnomAD exomes below 0.00001 and 0.00001; ExAC 0.00001; gnomAD 0.00001; TOPMed 0.00003.
gnomAD v4.1: 20 of 1,613,964 alleles (0.0012%); highest among the groups gnomAD compares: Non-Finnish European, 0.0014%; no homozygotes.

Submissions (2):

Institute of Human Genetics, University of Leipzig Medical Center
Classification: Uncertain significance for Hypercholesterolemia, autosomal dominant, type B. Last evaluated: 2021-07-05. Review status: criteria provided, single submitter. Criteria: ACMG Guidelines, 2015. Collection method: clinical testing. Allele origin: unknown. Affected: yes.
Comment: This variant was identified as homozygous.

Breakthrough Genomics
Classification: Uncertain significance. Review status: criteria provided, single submitter. Criteria: ACMG Guidelines, 2015. Collection method: not provided. Allele origin: germline. Inheritance: Autosomal recessive inheritance. Affected: yes.